The following is an entry in ClinVar:

ClinVar aggregate classification (germline): Uncertain significance (1 of 4 stars; one submission).

Submission:

Mayo Clinic Laboratories, Mayo Clinic
Classification: Uncertain significance. Last evaluated: 2025-10-02. Review status: criteria provided, single submitter. Criteria: ACMG Guidelines, 2015. Collection method: clinical testing. Allele origin: germline. Observed: 1 variant allele.
Comment: PM2_supporting

NM_031483.7(ITCH):c.941A>T (p.Asp314Val)

Gene: ITCH (itchy E3 ubiquitin protein ligase; plus strand). Cytogenetic location: 20q11.22.
Variant type: single nucleotide variant.
Coding change: c.941A>T on transcript NM_031483.7 (MANE Select); coding-DNA position 941, A replaced by T.
Protein change: p.Asp314Val; replaces aspartic acid 314 with valine.
Molecular consequence: missense variant.
Genome position (GRCh38, 1-based): chr20:34,442,279, A>T. VCF-style: chr20-34442279-A-T. GRCh37 (hg19) VCF-style: chr20-33030084-A-T.
Other names: p.Asp314Val; c.1064A>T, p.Asp355Val (NM_001257137.3, NM_001324197.2); c.611A>T, p.Asp204Val (NM_001257138.3); c.941A>T, p.Asp314Val (NM_001324198.2); short protein forms D204V, D314V, D355V.
Identifiers: ClinVar variation 4542385 (VCV004542385.1).